The following is an entry in ClinVar:

NM_001077653.2(TBX20):c.209_210delinsAG (p.Gly70Glu)

Gene: TBX20 (T-box transcription factor 20; minus strand). Cytogenetic location: 7p14.2.
Variant type: Indel.
Coding change: c.209_210delinsAG on transcript NM_001077653.2 (MANE Select); coding-DNA positions 209 to 210, GC replaced by AG.
Protein change: p.Gly70Glu; replaces glycine 70 with glutamic acid.
Molecular consequence: missense variant.
Genome position (GRCh38, 1-based): chr7:35,250,121-35,250,122, GC replaced by CT on the plus strand (GC replaced by AG on the coding strand, the reverse complement: TBX20 is on the minus strand). VCF-style: chr7-35250121-GC-CT. GRCh37 (hg19) VCF-style: chr7-35289733-GC-CT.
Other names: c.209_210delinsAG, p.Gly70Glu (NM_001166220.1); short protein forms G70E.
Identifiers: ClinVar variation 3729716 (VCV003729716.2).

ClinVar aggregate classification (germline): Uncertain significance (1 of 4 stars; one submission).

Submission:

Labcorp Genetics (formerly Invitae), Labcorp
Classification: Uncertain significance. Last evaluated: 2025-09-08. Review status: criteria provided, single submitter. Criteria: Invitae Variant Classification Sherloc (09022015). Collection method: clinical testing. Allele origin: germline.
Comment: This sequence change replaces glycine, which is neutral and non-polar, with glutamic acid, which is acidic and polar, at codon 70 of the TBX20 protein (p.Gly70Glu). Information on the frequency of this variant in the gnomAD database is not available, as this variant may be reported differently in the database. This variant has not been reported in the literature in individuals affected with TBX20-related conditions. ClinVar contains an entry for this variant (Variation ID: 3729716). An algorithm developed to predict the effect of missense changes on protein structure and function (PolyPhen-2) suggests that this variant is likely to be tolerated. In summary, the available evidence is currently insufficient to determine the role of this variant in disease. Therefore, it has been classified as a Variant of Uncertain Significance.